The following is an entry in ClinVar:

ClinVar aggregate classification (germline): Likely benign (0 of 4 stars; one submission).

Conditions:
NR0B2-related disorder. Also called: NR0B2-related condition.

Submission:

PreventionGenetics, part of Exact Sciences
Classification: Likely benign for NR0B2-related condition. Last evaluated: 2022-05-12. Review status: no assertion criteria provided. Collection method: clinical testing. Allele origin: germline.
Comment: This variant is classified as likely benign based on ACMG/AMP sequence variant interpretation guidelines (Richards et al. 2015 PMID: 25741868, with internal and published modifications).

NM_021969.3(NR0B2):c.27C>T (p.Cys9=)

Genes: NR0B2 (nuclear receptor subfamily 0 group B member 2; minus strand), NUDC (nuclear distribution C, dynein complex regulator; plus strand). Cytogenetic location: 1p36.11.
Variant type: single nucleotide variant.
Coding change: c.27C>T on transcript NM_021969.3 (MANE Select); coding-DNA position 27, C replaced by T.
Protein change: p.Cys9=; no amino-acid change (cysteine 9 retained).
Molecular consequence: synonymous variant.
Genome position (GRCh38, 1-based): chr1:26,913,914, G>A on the plus strand (C>T on the coding strand, the complement: NR0B2 is on the minus strand). VCF-style: chr1-26913914-G-A. GRCh37 (hg19) VCF-style: chr1-27240405-G-A.
Identifiers: ClinVar variation 3353597 (VCV003353597.1).